The following is an entry in ClinVar:

NM_004329.3(BMPR1A):c.1438C>G (p.Arg480Gly)

Gene: BMPR1A (bone morphogenetic protein receptor type 1A; plus strand). Cytogenetic location: 10q23.2.
Variant type: single nucleotide variant.
Coding change: c.1438C>G on transcript NM_004329.3 (MANE Select); coding-DNA position 1438, C replaced by G.
Protein change: p.Arg480Gly; replaces arginine 480 with glycine.
Molecular consequence: missense variant.
Genome position (GRCh38, 1-based): chr10:86,923,471, C>G. VCF-style: chr10-86923471-C-G. GRCh37 (hg19) VCF-style: chr10-88683228-C-G.
Other names: c.1438C>G, p.Arg480Gly (NM_001406567.1, NM_001406569.1, NM_001406570.1 and 19 more transcripts); c.1354C>G, p.Arg452Gly (NM_001406587.1, NM_001406588.1, NM_001406584.1 and 2 more transcripts); c.1096C>G, p.Arg366Gly (NM_001406589.1); c.1513C>G, p.Arg505Gly (NM_001406559.1); c.1486C>G, p.Arg496Gly (NM_001406560.1); c.1432C>G, p.Arg478Gly (NM_001406583.1); short protein forms R496G, R366G, R452G, R478G, R505G, R480G.
Identifiers: ClinVar variation 1772646 (VCV001772646.2), dbSNP rs876658515, ClinGen allele CA377463101.

ClinVar aggregate classification (germline): Likely pathogenic (1 of 4 stars; one submission).

Conditions:
Hereditary cancer-predisposing syndrome. Also called: Hereditary Cancer Syndrome; Hereditary neoplastic syndrome; Neoplastic Syndromes, Hereditary; Tumor predisposition. Identifiers: Orphanet 140162, MedGen C0027672, MeSH D009386, MONDO:0015356.

Submission:

Ambry Genetics
Classification: Likely pathogenic for Hereditary cancer-predisposing syndrome. Last evaluated: 2017-03-29. Review status: criteria provided, single submitter. Criteria: Ambry Variant Classification Scheme 2023. Collection method: clinical testing. Allele origin: germline.
Comment: The p.R480G variant (also known as c.1438C>G), located in coding exon 10 of the BMPR1A gene, results from a C to G substitution at nucleotide position 1438. The arginine at codon 480 is replaced by glycine, an amino acid with dissimilar properties. A similar alteration, p.R480W, was reported in one individual from a cohort of 27 patients with a personal history of JPS while absent in 134 controls and p.R480W showed moderate segregation with disease in our internal cohort (van Hattem WA et al. Gut 2008 May;57(5):623-7). This amino acid position is highly conserved in available vertebrate species. In addition, the in silico prediction for this alteration is inconclusive. Based on the majority of available evidence to date, this variant is likely to be pathogenic.